The following is an entry in ClinVar:

NM_004333.6(BRAF):c.1141-632A>G

Gene: BRAF (B-Raf proto-oncogene, serine/threonine kinase; minus strand). Cytogenetic location: 7q34.
Variant type: single nucleotide variant.
Coding change: c.1141-632A>G on transcript NM_004333.6 (MANE Select); 632 bases into the intron before coding-DNA position 1141, A replaced by G.
Molecular consequence: intron variant.
Genome position (GRCh38, 1-based): chr7:140,788,216, T>C on the plus strand (A>G on the coding strand, the complement: BRAF is on the minus strand). VCF-style: chr7-140788216-T-C. GRCh37 (hg19) VCF-style: chr7-140488016-T-C.
Other names: c.1141-632A>G (NM_001378474.1, NM_001378468.1, NM_001354609.2 and 3 more transcripts); c.1039-632A>G (NM_001378470.1); c.877-632A>G (NM_001378475.1); c.1141-5133A>G (NM_001378471.1); c.1150-632A>G (NM_001378467.1); c.985-632A>G (NM_001378472.1, NM_001378473.1).
Identifiers: ClinVar variation 2658047 (VCV002658047.24), dbSNP rs771157451, ClinGen allele CA168095605.

ClinVar aggregate classification (germline): Likely benign (1 of 4 stars; one submission).

Allele frequency attached by ClinVar (database versions not stated): TOPMed 0.00087.
gnomAD v4.1: 62 of 152,142 alleles (0.041%); highest among the groups gnomAD compares: Admixed American, 0.29%; 1 homozygote.

Submission:

CeGaT Center for Human Genetics Tuebingen
Classification: Likely benign. Last evaluated: 2026-08-01. Review status: criteria provided, single submitter. Criteria: CeGaT Center For Human Genetics Tuebingen Variant Classification Criteria Version 2. Collection method: clinical testing. Allele origin: germline. Affected: yes. Observed: 4 variant alleles.
Comment: BRAF: BS1